The following is an entry in ClinVar:

NM_080425.4(GNAS):c.78C>G (p.Pro26=)

Gene: GNAS (GNAS complex locus; plus strand). Cytogenetic location: 20q13.32.
Variant type: single nucleotide variant.
Coding change: c.78C>G on transcript NM_080425.4 (MANE Plus Clinical); coding-DNA position 78, C replaced by G.
Protein change: p.Pro26=; no amino-acid change (proline 26 retained).
Molecular consequence: synonymous variant. On other transcripts: 5 prime UTR variant (2), intron variant (3).
Genome position (GRCh38, 1-based): chr20:58,853,343, C>G. VCF-style: chr20-58853343-C-G. GRCh37 (hg19) VCF-style: chr20-57428398-C-G.
Other names: c.-110C>G (NM_001077490.3, NM_001309883.1); c.78C>G, p.Pro26= (NM_001410913.1); c.*42+12457C>G (NM_016592.5); c.43+12457C>G (NM_001410912.1); c.-39+11468C>G (NM_001309861.2).
Identifiers: ClinVar variation 3356376 (VCV003356376.1).
Genomic context (GRCh38, chr20:58,853,343, plus strand): 5'-CCTCTACGGCAATAATATGTCAGGACAACGCGATATCCCCCCTGAAATCGGGGAACAGCC[C>G]GAGCAACCACCTTTGGAGGCCCCAGGGGCAGCTGCCCCCGGTGCTGGGCCTAGCCCAGCC-3'
Protein context (NP_536350.2, residues 16-36): RDIPPEIGEQ[Pro26=]EQPPLEAPGA

ClinVar aggregate classification (germline): Likely benign (0 of 4 stars; one submission).

Conditions:
GNAS-related disorder. Identifiers: MedGen CN380105.

gnomAD v4.1: 19 of 1,551,216 alleles (0.0012%); highest among the groups gnomAD compares: Non-Finnish European, 0.0016%; no homozygotes.

Submission:

PreventionGenetics, part of Exact Sciences
Classification: Likely benign for GNAS-related condition. Last evaluated: 2023-04-27. Review status: no assertion criteria provided. Collection method: clinical testing. Allele origin: germline.
Comment: This variant is classified as likely benign based on ACMG/AMP sequence variant interpretation guidelines (Richards et al. 2015 PMID: 25741868, with internal and published modifications).